The following is an entry in ClinVar:

NC_000012.11:g.(?_52301495)_(52307461_?)del

Gene: ACVRL1 (activin A receptor like type 1; plus strand). Cytogenetic location: 12q13.13.
Variant type: Deletion.
Identifiers: ClinVar variation 3244309 (VCV003244309.1).

ClinVar aggregate classification (germline): Pathogenic (1 of 4 stars; one submission).

Conditions:
Telangiectasia, hereditary hemorrhagic, type 2 (HHT2). Also called: ACVRL1-Related Hereditary Hemorrhagic Telangiectasia; Telangiectasia, hereditary hemorrhagic, type II. Identifiers: Orphanet 774, MedGen C1838163, MONDO:0010880, OMIM 600376. Disease mechanism: loss of function.

Submission:

Labcorp Genetics (formerly Invitae), Labcorp
Classification: Pathogenic for Telangiectasia, hereditary hemorrhagic, type 2. Last evaluated: 2022-11-02. Review status: criteria provided, single submitter. Criteria: Invitae Variant Classification Sherloc (09022015). Collection method: clinical testing. Allele origin: unknown.
Comment: For these reasons, this variant has been classified as Pathogenic. This variant has not been reported in the literature in individuals affected with ACVRL1-related conditions. This variant results in the deletion of exons 2-3 and part of exon 4 (c.-6+16_432del) of the ACVRL1 gene. It is expected to result in an absent or disrupted protein product. Loss-of-function variants in ACVRL1 are known to be pathogenic (PMID: 15879500).

Literature cited by the submitters: PubMed 15879500.